The following is an entry in ClinVar:

NM_006265.3(RAD21):c.1621-248A>G

Gene: RAD21 (RAD21 cohesin complex component; minus strand). Cytogenetic location: 8q24.11.
Variant type: single nucleotide variant.
Coding change: c.1621-248A>G on transcript NM_006265.3 (MANE Select); 248 bases into the intron before coding-DNA position 1621, A replaced by G.
Molecular consequence: intron variant.
Genome position (GRCh38, 1-based): chr8:116,849,277, T>C on the plus strand (A>G on the coding strand, the complement: RAD21 is on the minus strand). VCF-style: chr8-116849277-T-C. GRCh37 (hg19) VCF-style: chr8-117861516-T-C.
Identifiers: ClinVar variation 669106 (VCV000669106.2), dbSNP rs2289938, ClinGen allele CA12846006.

ClinVar aggregate classification (germline): Benign. Review status: criteria provided, multiple submitters, no conflicts (2 of 4 stars). 2 submissions from 2 submitters: Benign (2). Last evaluated 2018-06-16.

Allele frequency attached by ClinVar (database versions not stated): gnomAD 0.13116 and 0.13593; 1000 Genomes Project 30x 0.13179; 1000 Genomes Project 0.13219; TOPMed 0.13304; gnomAD exomes 0.17268.
gnomAD v4.1: 63,143 of 399,088 alleles (16%); highest among the groups gnomAD compares: Admixed American, 22%; 5,642 homozygotes.

Submissions (2):

GeneDx
Classification: Benign. Last evaluated: 2018-06-16. Review status: criteria provided, single submitter. Criteria: GeneDx Variant Classification (06012015). Collection method: clinical testing. Allele origin: germline. Affected: yes.
Comment: This variant is considered likely benign or benign based on one or more of the following criteria: it is a conservative change, it occurs at a poorly conserved position in the protein, it is predicted to be benign by multiple in silico algorithms, and/or has population frequency not consistent with disease.

Breakthrough Genomics
Classification: Benign. Review status: criteria provided, single submitter. Criteria: ACMG Guidelines, 2015. Collection method: not provided. Allele origin: germline. Inheritance: Autosomal recessive inheritance. Affected: yes.